The following is an entry in ClinVar:

ClinVar aggregate classification (germline): Pathogenic/Likely pathogenic. Review status: criteria provided, multiple submitters, no conflicts (2 of 4 stars). 2 submissions from 2 submitters: Pathogenic (1); Likely pathogenic (1). Last evaluated 2023-12-30.

Conditions:
Microcephaly with or without chorioretinopathy, lymphedema, or impaired intellectual development. Also called: Microcephaly with or without chorioretinopathy, lymphedema, or mental retardation; MICROCEPHALY AND CHORIORETINOPATHY WITH OR WITHOUT MENTAL RETARDATION, AUTOSOMAL DOMINANT; MICROCEPHALY, LYMPHEDEMA, CHORIORETINAL DYSPLASIA SYNDROME; Microcephaly with or without chorioretinopathy, lymphedema, or intellectual disability; Microcephaly lymphedema chorioretinal dysplasia. Identifiers: Orphanet 2526, MedGen C1835265, MONDO:0007918, OMIM 152950.

Submissions (2):

Labcorp Genetics (formerly Invitae), Labcorp
Classification: Likely pathogenic. Last evaluated: 2023-12-30. Review status: criteria provided, single submitter. Criteria: Invitae Variant Classification Sherloc (09022015). Collection method: clinical testing. Allele origin: germline.
Comment: This sequence change affects an acceptor splice site in intron 16 of the KIF11 gene. It is expected to disrupt RNA splicing. Variants that disrupt the donor or acceptor splice site typically lead to a loss of protein function (PMID: 16199547), and loss-of-function variants in KIF11 are known to be pathogenic (PMID: 22284827, 24281367). This variant is not present in population databases (gnomAD no frequency). Disruption of this splice site has been observed in individual(s) with clinical features of KIF11-related conditions (Invitae). ClinVar contains an entry for this variant (Variation ID: 1029854). Algorithms developed to predict the effect of sequence changes on RNA splicing suggest that this variant may disrupt the consensus splice site. In summary, the currently available evidence indicates that the variant is pathogenic, but additional data are needed to prove that conclusively. Therefore, this variant has been classified as Likely Pathogenic.

Baylor Genetics
Classification: Pathogenic for Microcephaly with or without chorioretinopathy, lymphedema, or impaired intellectual development. Last evaluated: 2019-09-27. Review status: criteria provided, single submitter. Criteria: ACMG Guidelines, 2015. Collection method: clinical testing. Allele origin: de novo. Affected: yes.
Comment: This variant was determined to be pathogenic according to ACMG Guidelines, 2015 [PMID:25741868].

Literature cited by the submitters: PubMed 16199547 (cited by Labcorp Genetics (formerly Invitae), Labcorp); PubMed 22284827 (cited by Labcorp Genetics (formerly Invitae), Labcorp); PubMed 24281367 (cited by Labcorp Genetics (formerly Invitae), Labcorp).

NM_004523.4(KIF11):c.2161-1G>A

Gene: KIF11 (kinesin family member 11; plus strand). Cytogenetic location: 10q23.33.
Variant type: single nucleotide variant.
Coding change: c.2161-1G>A on transcript NM_004523.4 (MANE Select); the canonical splice acceptor site of the intron before coding-DNA position 2161, G replaced by A.
Molecular consequence: splice acceptor variant.
Genome position (GRCh38, 1-based): chr10:92,639,793, G>A. VCF-style: chr10-92639793-G-A. GRCh37 (hg19) VCF-style: chr10-94399550-G-A.
Identifiers: ClinVar variation 1029854 (VCV001029854.4), dbSNP rs1844845643, ClinGen allele CA377593557.